The following is an entry in ClinVar:

ClinVar aggregate classification (germline): Uncertain significance (1 of 4 stars; one submission).

Conditions:
Ullrich congenital muscular dystrophy 2 (UCMD2). Identifiers: Orphanet 75840, MedGen C4225314, MONDO:0014654, OMIM 616470.
Bethlem myopathy 2 (BTHLM2). Identifiers: Orphanet 536516, Orphanet 610, MedGen C4225313, MONDO:0034022, OMIM 616471.

Allele frequency attached by ClinVar (database versions not stated): TOPMed 0.00001.

Submission:

Labcorp Genetics (formerly Invitae), Labcorp
Classification: Uncertain significance for Bethlem myopathy 2; Ullrich congenital muscular dystrophy 2. Last evaluated: 2025-06-02. Review status: criteria provided, single submitter. Criteria: Invitae Variant Classification Sherloc (09022015). Collection method: clinical testing. Allele origin: germline.
Comment: This sequence change replaces asparagine, which is neutral and polar, with serine, which is neutral and polar, at codon 1861 of the COL12A1 protein (p.Asn1861Ser). This variant is not present in population databases (gnomAD no frequency). This variant has not been reported in the literature in individuals affected with COL12A1-related conditions. ClinVar contains an entry for this variant (Variation ID: 542477). Invitae Evidence Modeling of protein sequence and biophysical properties (such as structural, functional, and spatial information, amino acid conservation, physicochemical variation, residue mobility, and thermodynamic stability) indicates that this missense variant is not expected to disrupt COL12A1 protein function with a negative predictive value of 80%. In summary, the available evidence is currently insufficient to determine the role of this variant in disease. Therefore, it has been classified as a Variant of Uncertain Significance.

NM_004370.6(COL12A1):c.5582A>G (p.Asn1861Ser)

Gene: COL12A1 (collagen type XII alpha 1 chain; minus strand). Cytogenetic location: 6q13.
Variant type: single nucleotide variant.
Coding change: c.5582A>G on transcript NM_004370.6 (MANE Select); coding-DNA position 5582, A replaced by G.
Protein change: p.Asn1861Ser; replaces asparagine 1861 with serine.
Molecular consequence: missense variant.
Genome position (GRCh38, 1-based): chr6:75,133,940, T>C on the plus strand (A>G on the coding strand, the complement: COL12A1 is on the minus strand). VCF-style: chr6-75133940-T-C. GRCh37 (hg19) VCF-style: chr6-75843656-T-C.
Other names: c.2090A>G, p.Asn697Ser (NM_080645.3); short protein forms N1861S, N697S.
Identifiers: ClinVar variation 542477 (VCV000542477.3), dbSNP rs1160822324, ClinGen allele CA364735188.
Genomic context (GRCh38, chr6:75,133,940, plus strand): 5'-GCTGGTGCATAGAAGAGCTTGTACTGACGAGGATTTCCCTCTGCATGGTCCCAGCGGACA[T>C]TCAAGGTGCTGGTAGAAGGGTCATACACTCTCAGGTTCCTTACAGTGTTTAGAGGTTCTG-3'
Protein context (NP_004361.3, residues 1851-1871): RVYDPSTSTL[Asn1861Ser]VRWDHAEGNP